The following is an entry in ClinVar:

ClinVar aggregate classification (germline): Uncertain significance (1 of 4 stars; one submission).

Conditions:
Familial melanoma. Also called: Hereditary melanoma; Hereditary cutaneous melanoma. Identifiers: Orphanet 618, MedGen C1512419, MONDO:0018961.

gnomAD v4.1: 7 of 1,614,176 alleles (0.00043%); highest among the groups gnomAD compares: Non-Finnish European, 0.00059%; no homozygotes.

Submission:

Labcorp Genetics (formerly Invitae), Labcorp
Classification: Uncertain significance for Familial melanoma. Last evaluated: 2023-10-15. Review status: criteria provided, single submitter. Criteria: Invitae Variant Classification Sherloc (09022015). Collection method: clinical testing. Allele origin: germline.
Comment: This sequence change replaces lysine, which is basic and polar, with arginine, which is basic and polar, at codon 35 of the CDK4 protein (p.Lys35Arg). This variant is not present in population databases (gnomAD no frequency). This variant has not been reported in the literature in individuals affected with CDK4-related conditions. Advanced modeling of protein sequence and biophysical properties (such as structural, functional, and spatial information, amino acid conservation, physicochemical variation, residue mobility, and thermodynamic stability) performed at Invitae indicates that this missense variant is expected to disrupt CDK4 protein function. Experimental studies have shown that this missense change affects CDK4 function (PMID: 23737759). Algorithms developed to predict the effect of sequence changes on RNA splicing suggest that this variant may create or strengthen a splice site. In summary, the available evidence is currently insufficient to determine the role of this variant in disease. Therefore, it has been classified as a Variant of Uncertain Significance.

Literature cited by the submitters: PubMed 23737759.

NM_000075.4(CDK4):c.104A>G (p.Lys35Arg)

Gene: CDK4 (cyclin dependent kinase 4; minus strand). Cytogenetic location: 12q14.1.
Variant type: single nucleotide variant.
Coding change: c.104A>G on transcript NM_000075.4 (MANE Select); coding-DNA position 104, A replaced by G.
Protein change: p.Lys35Arg; replaces lysine 35 with arginine.
Molecular consequence: missense variant.
Genome position (GRCh38, 1-based): chr12:57,751,614, T>C on the plus strand (A>G on the coding strand, the complement: CDK4 is on the minus strand). VCF-style: chr12-57751614-T-C. GRCh37 (hg19) VCF-style: chr12-58145397-T-C.
Other names: short protein forms K35R.
Identifiers: ClinVar variation 2768601 (VCV002768601.3), dbSNP rs2140388477, ClinGen allele CA385548863.